The following is an entry in ClinVar:

ClinVar aggregate classification (germline): Pathogenic (1 of 4 stars; one submission).

Submission:

Labcorp Genetics (formerly Invitae), Labcorp
Classification: Pathogenic. Last evaluated: 2023-06-20. Review status: criteria provided, single submitter. Criteria: Invitae Variant Classification Sherloc (09022015). Collection method: clinical testing. Allele origin: germline.
Comment: This variant disrupts a region of the SERPING1 protein in which other variant(s) (p.Arg494*) have been determined to be pathogenic (PMID: 8755917, 30508583, 32065705). This suggests that this is a clinically significant region of the protein, and that variants that disrupt it are likely to be disease-causing. For these reasons, this variant has been classified as Pathogenic. This variant has not been reported in the literature in individuals affected with SERPING1-related conditions. This variant is not present in population databases (gnomAD no frequency). This sequence change creates a premature translational stop signal (p.Asn426Thrfs*5) in the SERPING1 gene. While this is not anticipated to result in nonsense mediated decay, it is expected to disrupt the last 75 amino acid(s) of the SERPING1 protein.

Literature cited by the submitters: PubMed 8755917; PubMed 30508583; PubMed 32065705.

NM_000062.3(SERPING1):c.1273del (p.Asn426fs)

Gene: SERPING1 (serpin family G member 1; plus strand). Cytogenetic location: 11q12.1.
Variant type: Deletion.
Coding change: c.1273del on transcript NM_000062.3 (MANE Select); coding-DNA position 1273, one base deleted (C; older notation c.1273delC).
Protein change: p.Asn426fs; shifts the reading frame from asparagine 426.
Molecular consequence: frameshift variant.
Genome position (GRCh38, 1-based): chr11:57,614,351, C deleted; the last of 2 consecutive C bases (chr11:57,614,350-57,614,351); deleting either gives the same sequence. VCF-style (leftmost placement, unchanged base first): chr11-57614349-AC-A. GRCh37 (hg19) VCF-style: chr11-57381822-AC-A.
Other names: c.1273del, p.Asn426fs (NM_001032295.2); short protein forms N426fs.
Identifiers: ClinVar variation 2720145 (VCV002720145.3), dbSNP rs2495457870, ClinGen allele CA2697548591.